The following is an entry in ClinVar:

ClinVar aggregate classification (germline): Likely benign. Review status: criteria provided, multiple submitters, no conflicts (2 of 4 stars). 3 submissions from 3 submitters: Likely benign (3). Last evaluated 2026-01-24.

Allele frequency attached by ClinVar (database versions not stated): ExAC 0.00002; gnomAD 0.00002; gnomAD exomes 0.00003; TOPMed 0.00005.
gnomAD v4.1: 29 of 1,612,244 alleles (0.0018%); highest among the groups gnomAD compares: East Asian, 0.016%; no homozygotes.

Submissions (3):

Labcorp Genetics (formerly Invitae), Labcorp
Classification: Likely benign. Last evaluated: 2026-01-24. Review status: criteria provided, single submitter. Criteria: Invitae Variant Classification Sherloc (09022015). Collection method: clinical testing. Allele origin: germline.

Blueprint Genetics
Classification: Likely benign. Last evaluated: 2024-11-22. Review status: criteria provided, single submitter. Criteria: ACMG Guidelines, 2015. Collection method: clinical testing. Allele origin: germline.

GeneDx
Classification: Likely benign. Last evaluated: 2017-05-23. Review status: criteria provided, single submitter. Criteria: GeneDx Variant Classification (06012015). Collection method: clinical testing. Allele origin: germline. Affected: yes.
Comment: This variant is considered likely benign or benign based on one or more of the following criteria: it is a conservative change, it occurs at a poorly conserved position in the protein, it is predicted to be benign by multiple in silico algorithms, and/or has population frequency not consistent with disease.

NM_133259.4(LRPPRC):c.2629+12T>G

Gene: LRPPRC (leucine rich pentatricopeptide repeat containing; minus strand). Cytogenetic location: 2p21.
Variant type: single nucleotide variant.
Coding change: c.2629+12T>G on transcript NM_133259.4 (MANE Select); 12 bases into the intron after coding-DNA position 2629, T replaced by G.
Molecular consequence: intron variant.
Genome position (GRCh38, 1-based): chr2:43,934,742, A>C on the plus strand (T>G on the coding strand, the complement: LRPPRC is on the minus strand). VCF-style: chr2-43934742-A-C. GRCh37 (hg19) VCF-style: chr2-44161881-A-C.
Identifiers: ClinVar variation 509550 (VCV000509550.6), dbSNP rs367880065, ClinGen allele CA1638401.
Genomic context (GRCh38, chr2:43,934,742, plus strand): 5'-TAACAATACACTAAGATTAAATCAGCAAGAAGGGAAAAAAAAACTACATTAAGATACTAG[A>C]AAGTGACTCACCTTTCTGAATTAGATCAGTCTCGCCTTTCTCTACCAGTTTACACAAGAC-3'